The following is an entry in ClinVar:

NM_020458.4(TTC7A):c.2519T>C (p.Leu840Pro)

Gene: TTC7A (tetratricopeptide repeat domain 7A; plus strand). Cytogenetic location: 2p21.
Variant type: single nucleotide variant.
Coding change: c.2519T>C on transcript NM_020458.4 (MANE Select); coding-DNA position 2519, T replaced by C.
Protein change: p.Leu840Pro; replaces leucine 840 with proline.
Molecular consequence: missense variant.
Genome position (GRCh38, 1-based): chr2:47,073,865, T>C. VCF-style: chr2-47073865-T-C. GRCh37 (hg19) VCF-style: chr2-47301004-T-C.
Other names: c.2591T>C, p.Leu864Pro (NM_001288951.2); c.2417T>C, p.Leu806Pro (NM_001288953.2); c.1457T>C, p.Leu486Pro (NM_001288955.2); short protein forms L806P, L840P, L864P, L486P.
Identifiers: ClinVar variation 1501011 (VCV001501011.6), dbSNP rs2103676767, ClinGen allele CA346718101.

ClinVar aggregate classification (germline): Uncertain significance (1 of 4 stars; one submission).

Conditions:
Multiple gastrointestinal atresias. Also called: Multiple intestinal atresia; FAMILIAL INTESTINAL POLYATRESIA SYNDROME. Identifiers: Orphanet 2300, MedGen C0220744, MONDO:0009465.

Allele frequency attached by ClinVar (database versions not stated): gnomAD exomes below 0.00001.
gnomAD v4.1: 2 of 1,613,656 alleles (0.00012%); highest among the groups gnomAD compares: Non-Finnish European, 0.00017%; no homozygotes.

Submission:

Labcorp Genetics (formerly Invitae), Labcorp
Classification: Uncertain significance for Multiple gastrointestinal atresias. Last evaluated: 2023-08-24. Review status: criteria provided, single submitter. Criteria: Invitae Variant Classification Sherloc (09022015). Collection method: clinical testing. Allele origin: germline.
Comment: This sequence change replaces leucine, which is neutral and non-polar, with proline, which is neutral and non-polar, at codon 840 of the TTC7A protein (p.Leu840Pro). This variant is not present in population databases (gnomAD no frequency). This variant has not been reported in the literature in individuals affected with TTC7A-related conditions. ClinVar contains an entry for this variant (Variation ID: 1501011). Advanced modeling of protein sequence and biophysical properties (such as structural, functional, and spatial information, amino acid conservation, physicochemical variation, residue mobility, and thermodynamic stability) performed at Invitae indicates that this missense variant is expected to disrupt TTC7A protein function. In summary, the available evidence is currently insufficient to determine the role of this variant in disease. Therefore, it has been classified as a Variant of Uncertain Significance.